The following is an entry in ClinVar:

ClinVar aggregate classification (germline): Conflicting classifications of pathogenicity. Review status: criteria provided, conflicting classifications (1 of 4 stars). 2 submissions from 2 submitters: Uncertain significance (1); Likely benign (1). Last evaluated 2024-08-18.

Conditions:
Dextro-looped transposition of the great arteries. Also called: Dextrotransposition of the great arteries. Identifiers: Orphanet 860, MedGen C3531771, MONDO:0019443, OMIM 608808, HP:0031348.

Allele frequency attached by ClinVar (database versions not stated): gnomAD exomes below 0.00001; ExAC 0.00001; gnomAD 0.00001.
gnomAD v4.1: 6 of 1,613,972 alleles (0.00037%); highest among the groups gnomAD compares: African/African-American, 0.0013%; no homozygotes.

Submissions (2):

Labcorp Genetics (formerly Invitae), Labcorp
Classification: Likely benign for Dextro-looped transposition of the great arteries. Last evaluated: 2024-08-18. Review status: criteria provided, single submitter. Criteria: Invitae Variant Classification Sherloc (09022015). Collection method: clinical testing. Allele origin: germline.

GeneDx
Classification: Uncertain significance. Last evaluated: 2022-04-21. Review status: criteria provided, single submitter. Criteria: GeneDx Variant Classification Process June 2021. Collection method: clinical testing. Allele origin: germline. Affected: yes.
Comment: In silico analysis supports that this missense variant has a deleterious effect on protein structure/function; Has not been previously published as pathogenic or benign to our knowledge

NM_015335.5(MED13L):c.3833C>T (p.Ala1278Val)

Gene: MED13L (mediator complex subunit 13L; minus strand). Cytogenetic location: 12q24.21.
Variant type: single nucleotide variant.
Coding change: c.3833C>T on transcript NM_015335.5 (MANE Select); coding-DNA position 3833, C replaced by T.
Protein change: p.Ala1278Val; replaces alanine 1278 with valine.
Molecular consequence: missense variant.
Genome position (GRCh38, 1-based): chr12:115,991,121, G>A on the plus strand (C>T on the coding strand, the complement: MED13L is on the minus strand). VCF-style: chr12-115991121-G-A. GRCh37 (hg19) VCF-style: chr12-116428926-G-A.
Other names: short protein forms A1278V.
Identifiers: ClinVar variation 1712084 (VCV001712084.4), dbSNP rs748882337, ClinGen allele CA6810930.